The following is an entry in ClinVar:

ClinVar aggregate classification (germline): Pathogenic (1 of 4 stars; one submission).

Conditions:
Autosomal recessive nonsyndromic hearing loss 35. Identifiers: Orphanet 90636, MedGen C1837857, MONDO:0012060, OMIM 608565.

Submission:

Women's Health and Genetics/Laboratory Corporation of America, LabCorp
Classification: Pathogenic for Autosomal recessive nonsyndromic hearing loss 35. Last evaluated: 2026-01-16. Review status: criteria provided, single submitter. Criteria: LabCorp Variant Classification Summary - May 2015. Collection method: clinical testing. Allele origin: germline.
Comment: Variant summary: ESRRB c.1272_1273delCT (p.Phe425ProfsX14) results in a premature termination codon, predicted to cause a truncation of the encoded protein or absence of the protein due to nonsense mediated decay, which are commonly known mechanisms for disease. The variant was absent in 249408 control chromosomes. To our knowledge, no occurrence of c.1272_1273delCT in individuals affected with ESRRB-related conditions and no experimental evidence demonstrating its impact on protein function have been reported. No submitters have cited clinical-significance assessments for this variant to ClinVar. Based on the evidence outlined above, the variant was classified as pathogenic.

NM_001379180.1(ESRRB):c.1335_1336del (p.Phe446fs)

Gene: ESRRB (estrogen related receptor beta; plus strand). Cytogenetic location: 14q24.3.
Variant type: Microsatellite.
Coding change: c.1335_1336del on transcript NM_001379180.1 (MANE Select); coding-DNA positions 1335 to 1336, 2 bases deleted (CT; older notation c.1335_1336delCT).
Protein change: p.Phe446fs; shifts the reading frame from phenylalanine 446.
Molecular consequence: frameshift variant.
Genome position (GRCh38, 1-based): chr14:76,498,428-76,498,429, CT deleted; deleting any 2 consecutive bases within chr14:76,498,426-76,498,429 gives the same sequence; the c. name uses the placement nearest the transcript's 3' end. VCF-style (leftmost placement, unchanged base first): chr14-76498425-ACT-A. GRCh37 (hg19) VCF-style: chr14-76964768-ACT-A.
Other names: c.1272_1273delCT (NM_004452.4); c.1287_1288del, p.Phe430fs (NM_001411038.1); c.1272_1273del, p.Phe425fs (NM_004452.4); short protein forms F425fs, F430fs, F446fs.
Identifiers: ClinVar variation 4689316 (VCV004689316.1).